The following is an entry in ClinVar:

ClinVar aggregate classification (germline): Likely benign. Review status: criteria provided, multiple submitters, no conflicts (2 of 4 stars). 5 submissions from 5 submitters: Likely benign (4). 1 of the submissions does not count toward it. Last evaluated 2026-01-14.

Conditions:
Blepharophimosis - intellectual disability syndrome, SBBYS type (SBBYSS). Also called: Ohdo syndrome, SBBYS variant; SBBYSS syndrome; Say-Barber-Biesecker Variant of Ohdo Syndrome; Young Simpson syndrome; Mental retardation unusual facies hypothyroidism; Say-Barber-Biesecker-Young-Simpson variant of Ohdo Syndrome. Identifiers: Orphanet 3047, MedGen C1863557, MONDO:0011365, OMIM 603736.
Genitopatellar syndrome (GTPTS). Also called: Genitopatellar syndrome (GPS); ABSENT PATELLAE, SCROTAL HYPOPLASIA, RENAL ANOMALIES, FACIAL DYSMORPHISM, AND MENTAL RETARDATION. Identifiers: Orphanet 85201, MedGen C1853566, MONDO:0011640, OMIM 606170.
KAT6B-related disorder. Also called: KAT6B-related disorders; KAT6B-related condition.

Allele frequency attached by ClinVar (database versions not stated): 1000 Genomes Project 30x 0.00016; 1000 Genomes Project 0.00020; gnomAD exomes 0.00031 and 0.00044; ExAC 0.00032; gnomAD 0.00034 and 0.00035; TOPMed 0.00039; ESP Exome Variant Server 0.00054.
gnomAD v4.1: 696 of 1,613,086 alleles (0.043%); highest among the groups gnomAD compares: Non-Finnish European, 0.054%; no homozygotes.

Submissions (5):

Labcorp Genetics (formerly Invitae), Labcorp
Classification: Likely benign for Genitopatellar syndrome. Last evaluated: 2026-01-14. Review status: criteria provided, single submitter. Criteria: Invitae Variant Classification Sherloc (09022015). Collection method: clinical testing. Allele origin: germline.

Blueprint Genetics
Classification: Likely benign. Last evaluated: 2024-09-11. Review status: criteria provided, single submitter. Criteria: ACMG Guidelines, 2015. Collection method: clinical testing. Allele origin: germline.

Fulgent Genetics
Classification: Likely benign for Blepharophimosis - intellectual disability syndrome, SBBYS type; Genitopatellar syndrome. Last evaluated: 2021-11-16. Review status: criteria provided, single submitter. Criteria: ACMG Guidelines, 2015. Collection method: clinical testing. Allele origin: unknown.

GeneDx
Classification: Likely benign. Last evaluated: 2020-02-18. Review status: criteria provided, single submitter. Criteria: GeneDx Variant Classification Process June 2021. Collection method: clinical testing. Allele origin: germline. Affected: yes.

PreventionGenetics, part of Exact Sciences
Classification: Likely benign for KAT6B-related condition. Last evaluated: 2024-06-16. Review status: no assertion criteria provided. Collection method: clinical testing. Allele origin: germline. Not counted in ClinVar's aggregate classification.
Comment: This variant is classified as likely benign based on ACMG/AMP sequence variant interpretation guidelines (Richards et al. 2015 PMID: 25741868, with internal and published modifications).

NM_012330.4(KAT6B):c.2374-10T>C

Gene: KAT6B (lysine acetyltransferase 6B; plus strand). Cytogenetic location: 10q22.2.
Variant type: single nucleotide variant.
Coding change: c.2374-10T>C on transcript NM_012330.4 (MANE Select); 10 bases into the intron before coding-DNA position 2374, T replaced by C.
Molecular consequence: intron variant.
Genome position (GRCh38, 1-based): chr10:74,985,070, T>C. VCF-style: chr10-74985070-T-C. GRCh37 (hg19) VCF-style: chr10-76744828-T-C.
Other names: c.1498-10T>C (NM_001370139.1, NM_001370140.1, NM_001370141.1 and 2 more transcripts); c.2374-10T>C (NM_001370136.1, NM_001370137.1); c.1825-10T>C (NM_001370138.1, NM_001256468.2); c.847-3949T>C (NM_001370133.1); c.450+3142T>C (NM_001370134.1); c.1309-10T>C (NM_001370143.1, NM_001370144.1); c.1497+3142T>C (NM_001370132.1); c.193-3949T>C (NM_001370135.1).
Identifiers: ClinVar variation 300871 (VCV000300871.14), dbSNP rs376833457, ClinGen allele CA5564594.